The following is an entry in ClinVar:

NM_001363711.2(DUOX2):c.2922-14_2925del

Gene: DUOX2 (dual oxidase 2; minus strand). Cytogenetic location: 15q21.1.
Variant type: Deletion.
Coding change: c.2922-14_2925del on transcript NM_001363711.2 (MANE Select); 14 bases into the intron before coding-DNA position 2922 through coding-DNA position 2925, 18 bases deleted (TTTCTTTTTCTCAGCTCC).
Molecular consequence: splice acceptor variant.
Genome position (GRCh38, 1-based): chr15:45,100,835-45,100,852, GGAGCTGAGAAAAAGAAA deleted on the plus strand (TTTCTTTTTCTCAGCTCC on the coding strand, the reverse complement: DUOX2 is on the minus strand). VCF-style (leftmost placement, unchanged base first): chr15-45100834-GGGAGCTGAGAAAAAGAAA-G. GRCh37 (hg19) VCF-style: chr15-45393032-GGGAGCTGAGAAAAAGAAA-G.
Other names: c.2922-14_2925del (NM_014080.4, NM_014080.5); c.2922-14_2925delTTTCTTTTTCTCAGCTCC (NM_014080.4); c.2922-14_2925del18 (NM_014080.4).
Identifiers: ClinVar variation 421086 (VCV000421086.13), dbSNP rs760031457, ClinGen allele CA7538070.

ClinVar aggregate classification (germline): Conflicting classifications of pathogenicity. Review status: criteria provided, conflicting classifications (1 of 4 stars). 6 submissions from 6 submitters: Likely pathogenic (5); Uncertain significance (1). Last evaluated 2026-01-05.

Conditions:
Congenital hypothyroidism. Identifiers: Orphanet 442, MedGen C0010308, MONDO:0018612, HP:0000851.
Thyroid dyshormonogenesis 6 (TDH6). Also called: HYPOTHYROIDISM, CONGENITAL, DUE TO DYSHORMONOGENESIS, 6; THYROID HORMONOGENESIS, GENETIC DEFECT IN, 6; Genetic transient congenital hypothyroidism. Identifiers: Orphanet 226316, Orphanet 95716, MedGen C1846632, MONDO:0011792, OMIM 607200.

Allele frequency attached by ClinVar (database versions not stated): gnomAD exomes 0.00006; TOPMed 0.00011; ExAC 0.00008; ESP Exome Variant Server 0.00008; gnomAD 0.00011.

Submissions (6):

Labcorp Genetics (formerly Invitae), Labcorp
Classification: Likely pathogenic. Last evaluated: 2026-01-05. Review status: criteria provided, single submitter. Criteria: Invitae Variant Classification Sherloc (09022015). Collection method: clinical testing. Allele origin: germline.
Comment: This variant results in the deletion of part of exon 23 (c.2922-14_2925del) of the DUOX2 gene. It is expected to disrupt RNA splicing. Variants that disrupt the donor or acceptor splice site typically lead to a loss of protein function (PMID: 16199547), and loss-of-function variants in DUOX2 are known to be pathogenic (PMID: 12110737, 18765513, 21565790, 24423310, 24735383). This variant is present in population databases (rs760031457, gnomAD 0.07%). This variant has not been reported in the literature in individuals affected with DUOX2-related conditions. ClinVar contains an entry for this variant (Variation ID: 421086). In summary, the currently available evidence indicates that the variant is pathogenic, but additional data are needed to prove that conclusively. Therefore, this variant has been classified as Likely Pathogenic.

First Genomix Gene Laboratory, Genetic Diagnostics Department
Classification: Likely pathogenic for Thyroid dyshormonogenesis 6. Last evaluated: 2025-06-20. Review status: criteria provided, single submitter. Criteria: ACMG Guidelines, 2015. Collection method: clinical testing. Allele origin: germline. Inheritance: Autosomal recessive inheritance. Affected: no. Observed: 1 variant allele.

Genomic Medicine Center of Excellence, King Faisal Specialist Hospital and Research Centre
Classification: Likely pathogenic for Thyroid dyshormonogenesis 6. Last evaluated: 2024-09-22. Review status: criteria provided, single submitter. Criteria: ACMG Guidelines, 2015. Collection method: clinical testing. Allele origin: germline.

Fulgent Genetics
Classification: Likely pathogenic for Thyroid dyshormonogenesis 6. Last evaluated: 2024-05-25. Review status: criteria provided, single submitter. Criteria: ACMG Guidelines, 2015. Collection method: clinical testing. Allele origin: germline.

Laboratory for Molecular Medicine, Mass General Brigham Personalized Medicine
Classification: Likely pathogenic for Congenital hypothyroidism. Last evaluated: 2024-02-02. Review status: criteria provided, single submitter. Criteria: ACMG Guidelines, 2015. Collection method: clinical testing. Allele origin: germline. Inheritance: Autosomal recessive inheritance.
Comment: The c.2922-14_2925del variant in DUOX2 has not been previously reported in in the literature in individuals with thyroid hormone deficiencies but has been reported by other clinical laboratories in ClinVar (Variation ID 421086). It was also identified in 0.019% (13/68020) of European chromosomes by gnomAD (v.3.1.2). This frequency is low enough to be consistent with a recessive carrier frequency. This variant is a deletion that spans the acceptor canonical splice site that involves exon 23, and is predicted to lead to altered splicing, either by removing the splice site as well as the first 4 nucleotides of exon 23 or the utilization of a cryptic splice site that is 13 bp upstream which is predicted to result in an abnormal or absent protein. Computational tools predict a splicing impact. Biallelic loss of function of the DUOX2 gene is an established disease mechanism in autosomal recessive congenital hypothyroidism. In summary, although additional studies are required to fully establish its clinical significance, this variant meets criteria to be classified as likely pathogenic for autosomal recessive thyroid congenital hypothyroidism. ACMG/AMP Criteria applied: PVS1, PM2_Supporting.

GeneDx
Classification: Uncertain significance. Last evaluated: 2019-10-01. Review status: criteria provided, single submitter. Criteria: GeneDx Variant Classification Process June 2021. Collection method: clinical testing. Allele origin: germline. Affected: yes.
Comment: Canonical splice site variant predicted to result in an in-frame deletion of the exon 23; Has not been previously published as pathogenic or benign to our knowledge; This variant is associated with the following publications: (PMID: 31980526)

Literature cited by the submitters: PubMed 16199547 (cited by Labcorp Genetics (formerly Invitae), Labcorp); PubMed 12110737 (cited by Labcorp Genetics (formerly Invitae), Labcorp); PubMed 18765513 (cited by Labcorp Genetics (formerly Invitae), Labcorp); PubMed 21565790 (cited by Labcorp Genetics (formerly Invitae), Labcorp); PubMed 24423310 (cited by Labcorp Genetics (formerly Invitae), Labcorp); PubMed 24735383 (cited by Labcorp Genetics (formerly Invitae), Labcorp).